The following is an entry in ClinVar:

NM_004525.3(LRP2):c.9434C>T (p.Ser3145Phe)

Gene: LRP2 (LDL receptor related protein 2; minus strand). Cytogenetic location: 2q31.1.
Variant type: single nucleotide variant.
Coding change: c.9434C>T on transcript NM_004525.3 (MANE Select); coding-DNA position 9434, C replaced by T.
Protein change: p.Ser3145Phe; replaces serine 3145 with phenylalanine.
Molecular consequence: missense variant.
Genome position (GRCh38, 1-based): chr2:169,185,914, G>A on the plus strand (C>T on the coding strand, the complement: LRP2 is on the minus strand). VCF-style: chr2-169185914-G-A. GRCh37 (hg19) VCF-style: chr2-170042424-G-A.
Other names: short protein forms S3145F.
Identifiers: ClinVar variation 1974802 (VCV001974802.3), dbSNP rs200487069, ClinGen allele CA1953573.

ClinVar aggregate classification (germline): Uncertain significance. Review status: criteria provided, multiple submitters, no conflicts (2 of 4 stars). 2 submissions from 2 submitters: Uncertain significance (2). Last evaluated 2022-11-30.

Allele frequency attached by ClinVar (database versions not stated): gnomAD exomes 0.00001; ExAC 0.00002; gnomAD 0.00002; 1000 Genomes Project 30x 0.00031; 1000 Genomes Project 0.00040.
gnomAD v4.1: 11 of 1,613,960 alleles (0.00068%); highest among the groups gnomAD compares: African/African-American, 0.0093%; no homozygotes.

Submissions (2):

Blueprint Genetics
Classification: Uncertain significance. Last evaluated: 2022-11-30. Review status: criteria provided, single submitter. Criteria: ACMG Guidelines, 2015. Collection method: clinical testing. Allele origin: germline.

Labcorp Genetics (formerly Invitae), Labcorp
Classification: Uncertain significance. Last evaluated: 2022-08-06. Review status: criteria provided, single submitter. Criteria: Invitae Variant Classification Sherloc (09022015). Collection method: clinical testing. Allele origin: germline.
Comment: This sequence change replaces serine, which is neutral and polar, with phenylalanine, which is neutral and non-polar, at codon 3145 of the LRP2 protein (p.Ser3145Phe). This variant is present in population databases (rs200487069, gnomAD 0.01%). This variant has not been reported in the literature in individuals affected with LRP2-related conditions. Advanced modeling of protein sequence and biophysical properties (such as structural, functional, and spatial information, amino acid conservation, physicochemical variation, residue mobility, and thermodynamic stability) performed at Invitae indicates that this missense variant is not expected to disrupt LRP2 protein function. In summary, the available evidence is currently insufficient to determine the role of this variant in disease. Therefore, it has been classified as a Variant of Uncertain Significance.